The following is an entry in ClinVar:

NM_003482.4(KMT2D):c.12848C>G (p.Pro4283Arg)

Gene: KMT2D (lysine methyltransferase 2D; minus strand). Cytogenetic location: 12q13.12.
Variant type: single nucleotide variant.
Coding change: c.12848C>G on transcript NM_003482.4 (MANE Select); coding-DNA position 12848, C replaced by G.
Protein change: p.Pro4283Arg; replaces proline 4283 with arginine.
Molecular consequence: missense variant.
Genome position (GRCh38, 1-based): chr12:49,031,857, G>C on the plus strand (C>G on the coding strand, the complement: KMT2D is on the minus strand). VCF-style: chr12-49031857-G-C. GRCh37 (hg19) VCF-style: chr12-49425640-G-C.
Other names: short protein forms P4283R.
Identifiers: ClinVar variation 765539 (VCV000765539.10), dbSNP rs768584961, ClinGen allele CA6546121.

ClinVar aggregate classification (germline): Conflicting classifications of pathogenicity. Review status: criteria provided, conflicting classifications (1 of 4 stars). 2 submissions from 2 submitters: Uncertain significance (1); Likely benign (1). Last evaluated 2025-04-28.

Conditions:
Kabuki syndrome. Also called: NIIKAWA-KUROKI SYNDROME; Kabuki make-up syndrome. Identifiers: Orphanet 2322, MedGen C0796004, MONDO:0016512.

Allele frequency attached by ClinVar (database versions not stated): TOPMed 0.00002; gnomAD 0.00003.

Submissions (2):

Labcorp Genetics (formerly Invitae), Labcorp
Classification: Likely benign for Kabuki syndrome. Last evaluated: 2025-04-28. Review status: criteria provided, single submitter. Criteria: Invitae Variant Classification Sherloc (09022015). Collection method: clinical testing. Allele origin: germline.

GeneDx
Classification: Uncertain significance. Last evaluated: 2022-06-07. Review status: criteria provided, single submitter. Criteria: GeneDx Variant Classification Process June 2021. Collection method: clinical testing. Allele origin: germline. Affected: yes.
Comment: In silico analysis supports that this missense variant does not alter protein structure/function; Has not been previously published as pathogenic or benign to our knowledge